The following is an entry in ClinVar:

ClinVar aggregate classification (germline): Uncertain significance (1 of 4 stars; one submission).

gnomAD v4.1: 7 of 1,206,593 alleles (0.00058%); highest among the groups gnomAD compares: Middle Eastern, 0.047%; no homozygotes.

Submission:

Labcorp Genetics (formerly Invitae), Labcorp
Classification: Uncertain significance. Last evaluated: 2025-12-03. Review status: criteria provided, single submitter. Criteria: Invitae Variant Classification Sherloc (09022015). Collection method: clinical testing. Allele origin: germline.
Comment: This sequence change replaces alanine, which is neutral and non-polar, with valine, which is neutral and non-polar, at codon 301 of the GRIA3 protein (p.Ala301Val). This variant is present in population databases (rs777684993, gnomAD 0.001%). This variant has not been reported in the literature in individuals affected with GRIA3-related conditions. Invitae Evidence Modeling of protein sequence and biophysical properties (such as structural, functional, and spatial information, amino acid conservation, physicochemical variation, residue mobility, and thermodynamic stability) indicates that this missense variant is not expected to disrupt GRIA3 protein function with a negative predictive value of 80%. In summary, the available evidence is currently insufficient to determine the role of this variant in disease. Therefore, it has been classified as a Variant of Uncertain Significance.

NM_007325.5(GRIA3):c.902C>T (p.Ala301Val)

Gene: GRIA3 (glutamate ionotropic receptor AMPA type subunit 3; plus strand). Cytogenetic location: Xq25.
Variant type: single nucleotide variant.
Coding change: c.902C>T on transcript NM_007325.5 (MANE Select); coding-DNA position 902, C replaced by T.
Protein change: p.Ala301Val; replaces alanine 301 with valine.
Molecular consequence: missense variant.
Genome position (GRCh38, 1-based): chrX:123,395,119, C>T. VCF-style: chrX-123395119-C-T. GRCh37 (hg19) VCF-style: chrX-122528970-C-T.
Other names: c.902C>T, p.Ala301Val (NM_000828.5); short protein forms A301V.
Identifiers: ClinVar variation 4800905 (VCV004800905.1).